The following is an entry in ClinVar:

ClinVar aggregate classification (germline): Pathogenic. Review status: criteria provided, multiple submitters, no conflicts (2 of 4 stars). 2 submissions from 2 submitters: Pathogenic (2). Last evaluated 2024-05-14.

Conditions:
RAPSN-related disorder. Also called: RAPSN-related condition; RAPSN-related disorders. Identifiers: MedGen CN239397.
Fetal akinesia deformation sequence 1 (FADS1). Also called: Pena-Shokeir syndrome type I; Fetal akinesia sequence. Identifiers: Orphanet 994, MedGen C1276035, MONDO:0100101, OMIM 208150, HP:0001989.
Congenital myasthenic syndrome 11. Also called: Myasthenic syndrome, congenital, 11, associated with acetylcholine receptor deficiency; MYASTHENIC SYNDROME, CONGENITAL, Ie. Identifiers: Orphanet 590, MedGen C4225367, MONDO:0014588, OMIM 616326.

Submissions (2):

Myriad Genetics, Inc.
Classification: Pathogenic for RAPSN-related disorder. Last evaluated: 2024-05-14. Review status: criteria provided, single submitter. Criteria: Myriad Autosomal Dominant, Autosomal Recessive and X-Linked Classification Criteria (2023). Collection method: clinical testing. Allele origin: unknown.
Comment: NM_005055.4(RAPSN):c.358delC(Q120Sfs*8) is expected to be pathogenic in the context of RAPSN-related disorders. This variant is predicted to lead to an abnormal or absent protein product due to the creation of a premature termination codon in RAPSN, a gene where loss-of-function variants are known to be pathogenic. Please note: this variant was assessed in the context of healthy population screening.

Labcorp Genetics (formerly Invitae), Labcorp
Classification: Pathogenic for Congenital myasthenic syndrome 11; Fetal akinesia deformation sequence 1. Last evaluated: 2022-12-22. Review status: criteria provided, single submitter. Criteria: Invitae Variant Classification Sherloc (09022015). Collection method: clinical testing. Allele origin: germline.
Comment: This premature translational stop signal has been observed in individual(s) with congenital myasthenic syndrome (PMID: 26782015, 29054425). This sequence change creates a premature translational stop signal (p.Gln120Serfs*8) in the RAPSN gene. It is expected to result in an absent or disrupted protein product. Loss-of-function variants in RAPSN are known to be pathogenic (PMID: 17686188). This variant is not present in population databases (gnomAD no frequency). For these reasons, this variant has been classified as Pathogenic.

Literature cited by the submitters: PubMed 26782015 (cited by Labcorp Genetics (formerly Invitae), Labcorp); PubMed 29054425 (cited by Labcorp Genetics (formerly Invitae), Labcorp); PubMed 17686188 (cited by Labcorp Genetics (formerly Invitae), Labcorp).

NM_005055.5(RAPSN):c.358del (p.Gln120fs)

Gene: RAPSN (receptor associated protein of the synapse; minus strand). Cytogenetic location: 11p11.2.
Variant type: Deletion.
Coding change: c.358del on transcript NM_005055.5 (MANE Select); coding-DNA position 358, one base deleted (C; older notation c.358delC).
Protein change: p.Gln120fs; shifts the reading frame from glutamine 120.
Molecular consequence: frameshift variant.
Genome position (GRCh38, 1-based): chr11:47,447,985, G deleted on the plus strand (C on the coding strand, the reverse complement: RAPSN is on the minus strand); the first of 3 consecutive G bases (chr11:47,447,985-47,447,987); deleting any one gives the same sequence. VCF-style (leftmost placement, unchanged base first): chr11-47447984-TG-T. GRCh37 (hg19) VCF-style: chr11-47469536-TG-T.
Other names: c.358del, p.Gln120fs (NM_032645.5); short protein forms Q120fs.
Identifiers: ClinVar variation 2137090 (VCV002137090.5), dbSNP rs2496130523, ClinGen allele CA2580084292.